The following is an entry in ClinVar:

NM_001104631.2(PDE4D):c.241dup (p.Leu81fs)

Gene: PDE4D (phosphodiesterase 4D; minus strand). Cytogenetic location: 5q12.1.
Variant type: Duplication.
Coding change: c.241dup on transcript NM_001104631.2 (MANE Select); coding-DNA position 241, one base duplicated (C; older notation c.241dupC).
Protein change: p.Leu81fs; shifts the reading frame from leucine 81.
Molecular consequence: frameshift variant. On other transcripts: intron variant (5).
Genome position (GRCh38, 1-based): chr5:59,893,382, G duplicated on the plus strand (C on the coding strand, the reverse complement: PDE4D is on the minus strand); the first of 7 consecutive G bases (chr5:59,893,382-59,893,388); duplicating any one gives the same sequence. VCF-style (leftmost placement, unchanged base first): chr5-59893381-A-AG. GRCh37 (hg19) VCF-style: chr5-59189208-A-AG.
Other names: c.272+95100dup (NM_001364599.1, NM_001165899.2, NM_001364600.2); c.-240+95100dup (NM_001349243.2); c.242+95100dup (NM_001349241.2); c.241dup (NM_001104631.1); c.241dupC (NM_001104631.1); short protein forms L81fs.
Identifiers: ClinVar variation 452801 (VCV000452801.4), dbSNP rs1184611767, ClinGen allele CA658657447.

ClinVar aggregate classification (germline): Uncertain significance. Review status: criteria provided, multiple submitters, no conflicts (2 of 4 stars). 2 submissions from 2 submitters: Uncertain significance (2). Last evaluated 2026-02-09.

Submissions (2):

GeneDx
Classification: Uncertain significance. Last evaluated: 2026-02-09. Review status: criteria provided, single submitter. Criteria: GeneDx Variant Classification Process June 2021. Collection method: clinical testing. Allele origin: germline. Affected: yes.
Comment: Not observed at significant frequency in large population cohorts (gnomAD); Has not been previously published as pathogenic or benign to our knowledge; Frameshift variant predicted to result in protein truncation or nonsense mediated decay in a gene for which loss of function is not a known mechanism of disease

Labcorp Genetics (formerly Invitae), Labcorp
Classification: Uncertain significance. Last evaluated: 2025-08-24. Review status: criteria provided, single submitter. Criteria: Invitae Variant Classification Sherloc (09022015). Collection method: clinical testing. Allele origin: germline.
Comment: This sequence change creates a premature translational stop signal (p.Leu81Profs*74) in the PDE4D gene. It is expected to result in an absent or disrupted protein product. However, the current clinical and genetic evidence is not sufficient to establish whether loss-of-function variants in PDE4D cause disease. This variant is not present in population databases (gnomAD no frequency). This variant has not been reported in the literature in individuals affected with PDE4D-related conditions. ClinVar contains an entry for this variant (Variation ID: 452801). In summary, the available evidence is currently insufficient to determine the role of this variant in disease. Therefore, it has been classified as a Variant of Uncertain Significance.